The following is an entry in ClinVar:

NM_002485.5(NBN):c.1253C>G (p.Ser418Ter)

Gene: NBN (nibrin; minus strand). Cytogenetic location: 8q21.3.
Variant type: single nucleotide variant.
Coding change: c.1253C>G on transcript NM_002485.5 (MANE Select); coding-DNA position 1253, C replaced by G.
Protein change: p.Ser418Ter; replaces serine 418 with a stop codon.
Molecular consequence: nonsense.
Genome position (GRCh38, 1-based): chr8:89,955,427, G>C on the plus strand (C>G on the coding strand, the complement: NBN is on the minus strand). VCF-style: chr8-89955427-G-C. GRCh37 (hg19) VCF-style: chr8-90967655-G-C.
Other names: c.1007C>G, p.Ser336Ter (NM_001024688.3, NM_001440379.1, NM_001440380.1); short protein forms S336*, S418*.
Identifiers: ClinVar variation 4815065 (VCV004815065.1).

ClinVar aggregate classification (germline): Likely pathogenic (1 of 4 stars; one submission).

Conditions:
Microcephaly, normal intelligence and immunodeficiency (NBS). Also called: Nijmegen breakage syndrome; Microcephaly with normal intelligence immunodeficiency and lymphoreticular malignancies; Nonsyndromal microcephaly autosomal recessive with normal intelligence; Seemanova syndrome 2; BERLIN BREAKAGE SYNDROME; Ataxia telangiectasia variant V1. Identifiers: Orphanet 647, MedGen C0398791, MONDO:0009623, OMIM 251260.

Submission:

Natera, Inc.
Classification: Likely pathogenic for Nijmegen breakage syndrome. Last evaluated: 2024-05-28. Review status: criteria provided, single submitter. Criteria: Natera Variant Classification Schema (03/2026). Collection method: clinical testing. Allele origin: germline.
Comment: The c.1253C>G variant in NBN is a nonsense variant predicted to introduce a stop codon at amino acid 418. This variant is expected to result in nonsense mediated decay, truncation, or a dysfunctional protein product. This variant is rare in the general population with a frequency below the threshold expected for the associated phenotype(s). Given the available evidence, this variant is classified as Likely Pathogenic.